The following is an entry in ClinVar:

Conditions:
Arteriohepatic dysplasia. Also called: Alagille Syndrome. Identifiers: Orphanet 52, MedGen C0085280, MeSH D016738, MONDO:0007318.

Submission:

Gilbert/Spinner Lab, Children's Hospital of Philadelphia
No classification provided (evidence only). Condition: Alagille syndrome. Review status: no classification provided. Collection method: research. Allele origin: not applicable. Functional consequence: functionally_abnormal.
ClinVar note: "not provided" was previously submitted as the classification for the variant. However, the classification appeared to be based only on an observation of functional data so it was converted to no classification on 2025-07-30.

NM_000214.3(JAG1):c.855G>T (p.Glu285Asp)

Gene: JAG1 (jagged canonical Notch ligand 1; minus strand). Cytogenetic location: 20p12.2.
Variant type: single nucleotide variant.
Coding change: c.855G>T on transcript NM_000214.3 (MANE Select); coding-DNA position 855, G replaced by T.
Protein change: p.Glu285Asp; replaces glutamic acid 285 with aspartic acid.
Molecular consequence: missense variant.
Genome position (GRCh38, 1-based): chr20:10,652,499, C>A on the plus strand (G>T on the coding strand, the complement: JAG1 is on the minus strand). VCF-style: chr20-10652499-C-A. GRCh37 (hg19) VCF-style: chr20-10633147-C-A.
Other names: short protein forms E285D.
Identifiers: ClinVar variation 3573141 (VCV003573141.2).